The following is an entry in ClinVar:

ClinVar aggregate classification (germline): Likely benign. Review status: criteria provided, multiple submitters, no conflicts (2 of 4 stars). 2 submissions from 2 submitters: Likely benign (2). Last evaluated 2026-01-05.

Conditions:
Pitt-Hopkins-like syndrome 2 (PTHSL2). Identifiers: Orphanet 221150, Orphanet 600663, MedGen C3280479, MONDO:0013690, OMIM 614325.

Allele frequency attached by ClinVar (database versions not stated): gnomAD exomes below 0.00001; TOPMed below 0.00001; gnomAD 0.00001; ExAC 0.00002.
gnomAD v4.1: 7 of 1,612,792 alleles (0.00043%); highest among the groups gnomAD compares: Non-Finnish European, 0.00059%; no homozygotes.

Submissions (2):

Labcorp Genetics (formerly Invitae), Labcorp
Classification: Likely benign for Pitt-Hopkins-like syndrome 2. Last evaluated: 2026-01-05. Review status: criteria provided, single submitter. Criteria: Invitae Variant Classification Sherloc (09022015). Collection method: clinical testing. Allele origin: germline.

CeGaT Center for Human Genetics Tuebingen
Classification: Likely benign. Last evaluated: 2024-09-01. Review status: criteria provided, single submitter. Criteria: CeGaT Center For Human Genetics Tuebingen Variant Classification Criteria Version 2. Collection method: clinical testing. Allele origin: germline. Affected: yes. Observed: 1 variant allele.
Comment: NRXN1: BP4, BP7

NM_001330078.2(NRXN1):c.480G>A (p.Pro160=)

Gene: NRXN1 (neurexin 1; minus strand). Cytogenetic location: 2p16.3.
Variant type: single nucleotide variant.
Coding change: c.480G>A on transcript NM_001330078.2 (MANE Select); coding-DNA position 480, G replaced by A.
Protein change: p.Pro160=; no amino-acid change (proline 160 retained).
Molecular consequence: synonymous variant.
Genome position (GRCh38, 1-based): chr2:51,027,794, C>T on the plus strand (G>A on the coding strand, the complement: NRXN1 is on the minus strand). VCF-style: chr2-51027794-C-T. GRCh37 (hg19) VCF-style: chr2-51254932-C-T.
Other names: c.480G>A, p.Pro160= (NM_001135659.3, NM_001330077.2, NM_001330079.2 and 15 more transcripts).
Identifiers: ClinVar variation 2996120 (VCV002996120.17), dbSNP rs771181102, ClinGen allele CA1655474.